The following is an entry in ClinVar:

ClinVar aggregate classification (germline): Conflicting classifications of pathogenicity. Review status: criteria provided, conflicting classifications (1 of 4 stars). 4 submissions from 4 submitters: Pathogenic (1); Uncertain significance (2). 1 of the submissions does not count toward it. Last evaluated 2024-09-22.

Conditions:
MRPS16-related disorders.
Combined oxidative phosphorylation defect type 2. Also called: CORPUS CALLOSUM, AGENESIS OF, WITH DYSMORPHISM AND FATAL LACTIC ACIDOSIS. Identifiers: Orphanet 254920, MedGen C1864843, MONDO:0012510, OMIM 610498.

Allele frequency attached by ClinVar (database versions not stated): ExAC 0.00001; TOPMed 0.00001.

Submissions (4):

Genomic Medicine Center of Excellence, King Faisal Specialist Hospital and Research Centre
Classification: Uncertain significance for Combined oxidative phosphorylation defect type 2. Last evaluated: 2024-09-22. Review status: criteria provided, single submitter. Criteria: ACMG Guidelines, 2015. Collection method: clinical testing. Allele origin: germline.

Labcorp Genetics (formerly Invitae), Labcorp
Classification: Uncertain significance. Last evaluated: 2022-04-07. Review status: criteria provided, single submitter. Criteria: Invitae Variant Classification Sherloc (09022015). Collection method: clinical testing. Allele origin: germline.
Comment: ClinVar contains an entry for this variant (Variation ID: 1835). In summary, the available evidence is currently insufficient to determine the role of this variant in disease. Therefore, it has been classified as a Variant of Uncertain Significance. Studies have shown that this premature translational stop signal alters MRPS16 gene expression (PMID: 18539099). This premature translational stop signal has been observed in individual(s) with clinical features of combined oxidative phosphorylation deficiency (PMID: 15505824, 28749478). This variant is present in population databases (rs104894168, gnomAD 0.01%). This sequence change creates a premature translational stop signal (p.Arg111*) in the MRPS16 gene. While this is not anticipated to result in nonsense mediated decay, it is expected to disrupt the last 27 amino acid(s) of the MRPS16 protein.

Blueprint Genetics
Classification: Pathogenic for MRPS16-related disorders. Last evaluated: 2022-01-13. Review status: criteria provided, single submitter. Criteria: ACMG Guidelines, 2015. Collection method: clinical testing. Allele origin: germline. Affected: yes. Observed: 4 variant alleles.

OMIM
Classification: Pathogenic for COMBINED OXIDATIVE PHOSPHORYLATION DEFICIENCY 2. Last evaluated: 2004-11-01. Review status: no assertion criteria provided. Collection method: literature only. Allele origin: germline. Not counted in ClinVar's aggregate classification.

Literature cited by the submitters: PubMed 18539099 (cited by Labcorp Genetics (formerly Invitae), Labcorp); PubMed 15505824 (cited by Labcorp Genetics (formerly Invitae), Labcorp and OMIM); PubMed 28749478 (cited by Labcorp Genetics (formerly Invitae), Labcorp).

NM_016065.4(MRPS16):c.331C>T (p.Arg111Ter)

Genes: DNAJC9-AS1 (DNAJC9 and MRPS16 antisense RNA 1; plus strand), MRPS16 (mitochondrial ribosomal protein S16; minus strand). Cytogenetic location: 10q22.2.
Variant type: single nucleotide variant.
Coding change: c.331C>T on transcript NM_016065.4 (MANE Select); coding-DNA position 331, C replaced by T.
Protein change: p.Arg111Ter; replaces arginine 111 with a stop codon.
Molecular consequence: nonsense.
Genome position (GRCh38, 1-based): chr10:73,250,935, G>A on the plus strand (C>T on the coding strand, the complement: MRPS16 is on the minus strand). VCF-style: chr10-73250935-G-A. GRCh37 (hg19) VCF-style: chr10-75010693-G-A.
Other names: short protein forms R111*.
Identifiers: ClinVar variation 1835 (VCV000001835.9), dbSNP rs104894168, ClinGen allele CA115218.